The following is an entry in ClinVar:

ClinVar aggregate classification (germline): Benign (0 of 4 stars; one submission).

Conditions:
TRIM55-related disorder. Also called: TRIM55-related condition.

Allele frequency attached by ClinVar (database versions not stated): ExAC 0.00095; 1000 Genomes Project 30x 0.00312; 1000 Genomes Project 0.00319; ESP Exome Variant Server 0.00331; gnomAD 0.00340; TOPMed 0.00374.
gnomAD v4.1: 1,108 of 1,614,156 alleles (0.069%); highest among the groups gnomAD compares: African/African-American, 1.1%; 7 homozygotes.

Submission:

PreventionGenetics, part of Exact Sciences
Classification: Benign for TRIM55-related condition. Last evaluated: 2019-02-21. Review status: no assertion criteria provided. Collection method: clinical testing. Allele origin: germline.
Comment: This variant is classified as benign based on ACMG/AMP sequence variant interpretation guidelines (Richards et al. 2015 PMID: 25741868, with internal and published modifications).

NM_184085.2(TRIM55):c.771C>T (p.Asn257=)

Gene: TRIM55 (tripartite motif containing 55; plus strand). Cytogenetic location: 8q13.1.
Variant type: single nucleotide variant.
Coding change: c.771C>T on transcript NM_184085.2 (MANE Select); coding-DNA position 771, C replaced by T.
Protein change: p.Asn257=; no amino-acid change (asparagine 257 retained).
Molecular consequence: synonymous variant. On other transcripts: intron variant (1).
Genome position (GRCh38, 1-based): chr8:66,149,812, C>T. VCF-style: chr8-66149812-C-T. GRCh37 (hg19) VCF-style: chr8-67062047-C-T.
Other names: c.771C>T, p.Asn257= (NM_033058.3, NM_184086.2); c.603+12622C>T (NM_184087.2).
Identifiers: ClinVar variation 3045376 (VCV003045376.2), dbSNP rs61741078, ClinGen allele CA4765776.
Genomic context (GRCh38, chr8:66,149,812, plus strand): 5'-AGAGGAGAAACTGGAACATGTCCGTGCTCTGATCAAAAAGTATTCTGATCATTTGGAGAA[C>T]GTCTCAAAGTTGGTTGAGTCAGGAATTCAGTTTATGGATGAGCCAGAAATGGCAGTGTTT-3'
Protein context (NP_908973.1, residues 247-267): LIKKYSDHLE[Asn257=]VSKLVESGIQ